The following is an entry in ClinVar:

NM_001005242.3(PKP2):c.900G>A (p.Thr300=)

Gene: PKP2 (plakophilin 2; minus strand). Cytogenetic location: 12p11.21.
Variant type: single nucleotide variant.
Coding change: c.900G>A on transcript NM_001005242.3 (MANE Select); coding-DNA position 900, G replaced by A.
Protein change: p.Thr300=; no amino-acid change (threonine 300 retained).
Molecular consequence: synonymous variant.
Genome position (GRCh38, 1-based): chr12:32,877,980, C>T on the plus strand (G>A on the coding strand, the complement: PKP2 is on the minus strand). VCF-style: chr12-32877980-C-T. GRCh37 (hg19) VCF-style: chr12-33030914-C-T.
Other names: c.900G>A, p.Thr300= (NM_004572.4).
Identifiers: ClinVar variation 496261 (VCV000496261.16), dbSNP rs140235564, ClinGen allele CA039348.

ClinVar aggregate classification (germline): Likely benign. Review status: criteria provided, multiple submitters, no conflicts (2 of 4 stars). 5 submissions from 5 submitters: Likely benign (5). Last evaluated 2025-11-09.

Conditions:
Cardiovascular phenotype. Identifiers: MedGen CN230736.
Cardiomyopathy (CMYO). Also called: Cardiomyopathies. Identifiers: Orphanet 167848, MedGen C0878544, MONDO:0004994, HP:0001638. Inheritance: Various modes of inheritance.
Arrhythmogenic right ventricular cardiomyopathy (ARVD). Also called: Arrhythmogenic cardiomyopathy; Arrhythmogenic Right Ventricular Cardiomyopathy (ARVC); Cardiomyopathy, ARVC; Arrhythmogenic right ventricular dysplasia. Identifiers: Orphanet 247, MedGen C0349788, MeSH D019571, MONDO:0016587. Disease mechanism: loss of function. Inheritance: Various modes of inheritance.
Arrhythmogenic right ventricular dysplasia 9 (ARVD9). Also called: Arrhythmogenic Right Ventricular Dysplasia/Cardiomyopathy 9; ARRHYTHMOGENIC RIGHT VENTRICULAR DYSPLASIA, FAMILIAL, 9. Identifiers: MedGen C1836906, MONDO:0012180, OMIM 609040.

Allele frequency attached by ClinVar (database versions not stated): ExAC 0.00002; gnomAD exomes 0.00002; TOPMed 0.00003; gnomAD 0.00006; ESP Exome Variant Server 0.00008.
gnomAD v4.1: 58 of 1,613,940 alleles (0.0036%); highest among the groups gnomAD compares: African/African-American, 0.0053%; no homozygotes.

Submissions (5):

Labcorp Genetics (formerly Invitae), Labcorp
Classification: Likely benign for Arrhythmogenic right ventricular dysplasia 9. Last evaluated: 2025-11-09. Review status: criteria provided, single submitter. Criteria: Invitae Variant Classification Sherloc (09022015). Collection method: clinical testing. Allele origin: germline.

Ambry Genetics
Classification: Likely benign for Cardiovascular phenotype. Last evaluated: 2024-07-17. Review status: criteria provided, single submitter. Criteria: Ambry Variant Classification Scheme 2023. Collection method: clinical testing. Allele origin: germline.

All of Us Research Program, National Institutes of Health
Classification: Likely benign for Arrhythmogenic right ventricular cardiomyopathy. Last evaluated: 2023-12-13. Review status: criteria provided, single submitter. Criteria: ACMG Guidelines, 2015. Collection method: clinical testing. Allele origin: germline. Inheritance: Autosomal dominant inheritance. Observed: 16 variant alleles, 16 heterozygotes.
Comment: This study involves interpretation of variants in research participants for the purpose of population health screening. Participant phenotype was not available at the time of variant classification. Additional details can be found in publication PMID: 35346344, PMCID: PMC8962531

Women's Health and Genetics/Laboratory Corporation of America, LabCorp
Classification: Likely benign. Last evaluated: 2019-08-29. Review status: criteria provided, single submitter. Criteria: LabCorp Variant Classification Summary - May 2015. Collection method: clinical testing. Allele origin: germline.

Color Diagnostics, LLC DBA Color Health
Classification: Likely benign for Cardiomyopathy. Last evaluated: 2019-02-25. Review status: criteria provided, single submitter. Criteria: ACMG Guidelines, 2015. Collection method: clinical testing. Allele origin: germline.